The following is an entry in ClinVar:

NM_001148.6(ANK2):c.5221C>T (p.Pro1741Ser)

Genes: ANK2 (ankyrin 2; plus strand), LOC126807136 (MED14-independent group 3 enhancer GRCh37_chr4:114274931-114276130; plus strand). Cytogenetic location: 4q26.
Variant type: single nucleotide variant.
Coding change: c.5221C>T on transcript NM_001148.6 (MANE Select); coding-DNA position 5221, C replaced by T.
Protein change: p.Pro1741Ser; replaces proline 1741 with serine.
Molecular consequence: missense variant. On other transcripts: intron variant (68).
Genome position (GRCh38, 1-based): chr4:113,353,839, C>T. VCF-style: chr4-113353839-C-T. GRCh37 (hg19) VCF-style: chr4-114274995-C-T.
Other names: c.4141+3590C>T (NM_001354271.2, NM_001386151.1, NM_001354260.2); c.3943+3590C>T (NM_001386158.1); c.4471+3590C>T (NM_001354241.2, NM_001386144.1, NM_001354240.2); c.4438+3590C>T (NM_001354225.2); c.4423+3590C>T (NM_001354235.2, NM_001354246.2, NM_001354265.2); c.4324+3590C>T (NM_001354236.2); c.4462+3590C>T (NM_001354232.2); c.4327+3590C>T (NM_001354228.2, NM_001354258.2); and 35 more; short protein forms P1663S, P1788S, P1741S, P1780S, P541S.
Identifiers: ClinVar variation 3726247 (VCV003726247.2).

ClinVar aggregate classification (germline): Uncertain significance (1 of 4 stars; one submission).

Conditions:
Long QT syndrome (LQTS). Identifiers: MedGen C0023976, MeSH D008133, MONDO:0002442. Disease mechanism: loss of function. Inheritance: Various modes of inheritance.

Submission:

Labcorp Genetics (formerly Invitae), Labcorp
Classification: Uncertain significance for Long QT syndrome. Last evaluated: 2025-01-21. Review status: criteria provided, single submitter. Criteria: Invitae Variant Classification Sherloc (09022015). Collection method: clinical testing. Allele origin: germline.
Comment: This sequence change replaces proline, which is neutral and non-polar, with serine, which is neutral and polar, at codon 1741 of the ANK2 protein (p.Pro1741Ser). This variant is not present in population databases (gnomAD no frequency). This variant has not been reported in the literature in individuals affected with ANK2-related conditions. An algorithm developed to predict the effect of missense changes on protein structure and function outputs the following: PolyPhen-2: "Benign". The serine amino acid residue is found in multiple mammalian species, which suggests that this missense change does not adversely affect protein function. In summary, the available evidence is currently insufficient to determine the role of this variant in disease. Therefore, it has been classified as a Variant of Uncertain Significance.